The following is an entry in ClinVar:

NM_012472.6(DNAAF11):c.409G>A (p.Ala137Thr)

Gene: DNAAF11 (dynein axonemal assembly factor 11; minus strand). Cytogenetic location: 8q24.22.
Variant type: single nucleotide variant.
Coding change: c.409G>A on transcript NM_012472.6 (MANE Select); coding-DNA position 409, G replaced by A.
Protein change: p.Ala137Thr; replaces alanine 137 with threonine.
Molecular consequence: missense variant. On other transcripts: non-coding transcript variant (10).
Genome position (GRCh38, 1-based): chr8:132,637,955, C>T on the plus strand (G>A on the coding strand, the complement: DNAAF11 is on the minus strand). VCF-style: chr8-132637955-C-T. GRCh37 (hg19) VCF-style: chr8-133650201-C-T.
Other names: c.409G>A, p.Ala137Thr (NM_001321961.2); c.163G>A, p.Ala55Thr (NM_001321962.2); c.49G>A, p.Ala17Thr (NM_001321963.2, NM_001321964.2, NM_001321965.2 and 1 more transcripts); short protein forms A137T, A17T, A55T.
Identifiers: ClinVar variation 1681043 (VCV001681043.8), dbSNP rs2130540273, ClinGen allele CA372295498.
Genomic context (GRCh38, chr8:132,637,955, plus strand): 5'-TCATTTATCTGTGATTTCTGCACCATTAAAAGAACCATACCTTTAATTGTGGAAGAGTTG[C>T]TACCACGAACTCCCTATAGTGGTCAAAGGAAGCACATGGGTTCCCCATGAGAAAGAGCTC-3'
Protein context (NP_036604.2, residues 127-147): SFDHYREFVV[Ala137Thr]TLPQLKWLDG

ClinVar aggregate classification (germline): Uncertain significance (1 of 4 stars; one submission).

Conditions:
Primary ciliary dyskinesia 19. Also called: CILIARY DYSKINESIA, PRIMARY, 19, WITH OR WITHOUT SITUS INVERSUS. Identifiers: Orphanet 244, MedGen C3543826, MONDO:0013979, OMIM 614935.

Submission:

Labcorp Genetics (formerly Invitae), Labcorp
Classification: Uncertain significance for Primary ciliary dyskinesia 19. Last evaluated: 2022-08-23. Review status: criteria provided, single submitter. Criteria: Invitae Variant Classification Sherloc (09022015). Collection method: clinical testing. Allele origin: germline.
Comment: In summary, the available evidence is currently insufficient to determine the role of this variant in disease. Therefore, it has been classified as a Variant of Uncertain Significance. Algorithms developed to predict the effect of missense changes on protein structure and function (SIFT, PolyPhen-2, Align-GVGD) all suggest that this variant is likely to be tolerated. ClinVar contains an entry for this variant (Variation ID: 1681043). This variant has not been reported in the literature in individuals affected with LRRC6-related conditions. This variant is not present in population databases (gnomAD no frequency). This sequence change replaces alanine, which is neutral and non-polar, with threonine, which is neutral and polar, at codon 137 of the LRRC6 protein (p.Ala137Thr).